The following is an entry in ClinVar:

ClinVar aggregate classification (germline): Uncertain significance. Review status: criteria provided, multiple submitters, no conflicts (2 of 4 stars). 2 submissions from 2 submitters: Uncertain significance (2). Last evaluated 2026-04-14.

Conditions:
Cardiovascular phenotype. Identifiers: MedGen CN230736.
Brugada syndrome. Also called: Sudden unexpected nocturnal death syndrome; Sudden Unexplained Death Syndrome; Sudden Unexplained Nocturnal Death Syndrome (SUNDS); Sudden unexplained nocturnal death syndrome. Identifiers: Orphanet 130, MedGen C1142166, MONDO:0015263.

Allele frequency attached by ClinVar (database versions not stated): gnomAD exomes below 0.00001.
gnomAD v4.1: 1 of 1,614,154 alleles (0.000062%); highest among the groups gnomAD compares: Non-Finnish European, 0.000085%; no homozygotes.

Submissions (2):

Ambry Genetics
Classification: Uncertain significance for Cardiovascular phenotype. Last evaluated: 2026-04-14. Review status: criteria provided, single submitter. Criteria: Ambry Variant Classification Scheme 2023. Collection method: clinical testing. Allele origin: germline.
Comment: The p.T791S variant (also known as c.2372C>G), located in coding exon 15 of the SCN10A gene, results from a C to G substitution at nucleotide position 2372. The threonine at codon 791 is replaced by serine, an amino acid with similar properties. This amino acid position is conserved. In addition, this alteration is predicted to be deleterious by in silico analysis. Based on the available evidence, the clinical significance of this variant remains unclear.

Labcorp Genetics (formerly Invitae), Labcorp
Classification: Uncertain significance for Brugada syndrome. Last evaluated: 2024-02-17. Review status: criteria provided, single submitter. Criteria: Invitae Variant Classification Sherloc (09022015). Collection method: clinical testing. Allele origin: germline.
Comment: This sequence change replaces threonine, which is neutral and polar, with serine, which is neutral and polar, at codon 791 of the SCN10A protein (p.Thr791Ser). This variant is present in population databases (no rsID available, gnomAD 0.0009%). This variant has not been reported in the literature in individuals affected with SCN10A-related conditions. ClinVar contains an entry for this variant (Variation ID: 1475499). Advanced modeling of protein sequence and biophysical properties (such as structural, functional, and spatial information, amino acid conservation, physicochemical variation, residue mobility, and thermodynamic stability) has been performed at Invitae for this missense variant, however the output from this modeling did not meet the statistical confidence thresholds required to predict the impact of this variant on SCN10A protein function. In summary, the available evidence is currently insufficient to determine the role of this variant in disease. Therefore, it has been classified as a Variant of Uncertain Significance.

NM_006514.4(SCN10A):c.2372C>G (p.Thr791Ser)

Gene: SCN10A (sodium voltage-gated channel alpha subunit 10; minus strand). Cytogenetic location: 3p22.2.
Variant type: single nucleotide variant.
Coding change: c.2372C>G on transcript NM_006514.4 (MANE Select); coding-DNA position 2372, C replaced by G.
Protein change: p.Thr791Ser; replaces threonine 791 with serine.
Molecular consequence: missense variant.
Genome position (GRCh38, 1-based): chr3:38,728,810, G>C on the plus strand (C>G on the coding strand, the complement: SCN10A is on the minus strand). VCF-style: chr3-38728810-G-C. GRCh37 (hg19) VCF-style: chr3-38770301-G-C.
Other names: c.2372C>G, p.Thr791Ser (NM_001293306.2); c.2078C>G, p.Thr693Ser (NM_001293307.2); c.2372C>G (NM_006514.2); short protein forms T791S, T693S.
Identifiers: ClinVar variation 1475499 (VCV001475499.8), dbSNP rs1303166399, ClinGen allele CA352160899.